The following is an entry in ClinVar:

ClinVar aggregate classification (germline): Conflicting classifications of pathogenicity. Review status: criteria provided, conflicting classifications (1 of 4 stars). 3 submissions from 3 submitters: Uncertain significance (1); Likely benign (1). 1 of the submissions does not count toward it. Last evaluated 2026-01-22.

Conditions:
TMC6-related disorder. Also called: TMC6-related condition.
Epidermodysplasia verruciformis, susceptibility to, 1. Identifiers: Orphanet 302, MedGen C4722564, MONDO:0100045, OMIM 226400.
Epidermodysplasia verruciformis. Identifiers: Orphanet 302, MedGen C0014522, MONDO:0009176.

Allele frequency attached by ClinVar (database versions not stated): gnomAD 0.00008; TOPMed 0.00010; ExAC 0.00011; ESP Exome Variant Server 0.00016.
gnomAD v4.1: 146 of 1,594,414 alleles (0.0092%); highest among the groups gnomAD compares: Non-Finnish European, 0.011%; no homozygotes.

Submissions (3):

Labcorp Genetics (formerly Invitae), Labcorp
Classification: Likely benign for Epidermodysplasia verruciformis. Last evaluated: 2026-01-22. Review status: criteria provided, single submitter. Criteria: Invitae Variant Classification Sherloc (09022015). Collection method: clinical testing. Allele origin: germline.

Center for Genomics, Ann and Robert H. Lurie Children's Hospital of Chicago
Classification: Uncertain significance for Epidermodysplasia verruciformis, susceptibility to, 1. Last evaluated: 2021-03-30. Review status: criteria provided, single submitter. Criteria: ACMG Guidelines, 2015. Collection method: clinical testing. Allele origin: germline.
Comment: TMC6 NM_007267.7 exon 7 c.633+8C>T: This variant has not been reported in the literature but is present in 11/103598 European alleles in the Genome Aggregation Database. Evolutionary conservation and computational predictive tools for this variant are limited or unavailable. This variant is an intronic variant; splice prediction tools suggest that this variant may not affect splicing. However, further studies are needed to understand its impact. In summary, data on this variant is insufficient for disease classification. Therefore, the clinical significance of this variant is uncertain.

PreventionGenetics, part of Exact Sciences
Classification: Likely benign for TMC6-related condition. Last evaluated: 2023-03-14. Review status: no assertion criteria provided. Collection method: clinical testing. Allele origin: germline. Not counted in ClinVar's aggregate classification.
Comment: This variant is classified as likely benign based on ACMG/AMP sequence variant interpretation guidelines (Richards et al. 2015 PMID: 25741868, with internal and published modifications).

NM_001127198.5(TMC6):c.633+8C>T

Genes: TMC6 (transmembrane channel like 6; minus strand), LOC130061786 (ATAC-STARR-seq lymphoblastoid silent region 9039; plus strand). Cytogenetic location: 17q25.3.
Variant type: single nucleotide variant.
Coding change: c.633+8C>T on transcript NM_001127198.5 (MANE Select); 8 bases into the intron after coding-DNA position 633, C replaced by T.
Molecular consequence: intron variant.
Genome position (GRCh38, 1-based): chr17:78,124,881, G>A on the plus strand (C>T on the coding strand, the complement: TMC6 is on the minus strand). VCF-style: chr17-78124881-G-A. GRCh37 (hg19) VCF-style: chr17-76120962-G-A.
Other names: c.633+8C>T (NM_001374594.1, NM_001374596.1, NM_001374593.1 and 4 more transcripts).
Identifiers: ClinVar variation 626187 (VCV000626187.12), dbSNP rs369450669, ClinGen allele CA8796057.